The following is an entry in ClinVar:

NM_022455.5(NSD1):c.2882C>T (p.Ser961Phe)

Gene: NSD1 (nuclear receptor binding SET domain protein 1; plus strand). Cytogenetic location: 5q35.3.
Variant type: single nucleotide variant.
Coding change: c.2882C>T on transcript NM_022455.5 (MANE Select); coding-DNA position 2882, C replaced by T.
Protein change: p.Ser961Phe; replaces serine 961 with phenylalanine.
Molecular consequence: missense variant.
Genome position (GRCh38, 1-based): chr5:177,211,281, C>T. VCF-style: chr5-177211281-C-T. GRCh37 (hg19) VCF-style: chr5-176638282-C-T.
Other names: c.2009C>T, p.Ser670Phe (NM_001365684.2, NM_001409306.1, NM_001409307.1 and 3 more transcripts); c.2882C>T, p.Ser961Phe (NM_001409301.1, NM_001409302.1, NM_001409303.1); c.2462C>T, p.Ser821Phe (NM_001409304.1); c.2129C>T, p.Ser710Phe (NM_001409305.1); short protein forms S670F, S710F, S821F, S961F.
Identifiers: ClinVar variation 3672762 (VCV003672762.3).

ClinVar aggregate classification (germline): Uncertain significance. Review status: criteria provided, multiple submitters, no conflicts (2 of 4 stars). 2 submissions from 2 submitters: Uncertain significance (2). Last evaluated 2024-03-04.

gnomAD v4.1: 1 of 1,614,100 alleles (0.000062%); highest among the groups gnomAD compares: Non-Finnish European, 0.000085%; no homozygotes.

Submissions (2):

Labcorp Genetics (formerly Invitae), Labcorp
Classification: Uncertain significance. Last evaluated: 2024-03-04. Review status: criteria provided, single submitter. Criteria: Invitae Variant Classification Sherloc (09022015). Collection method: clinical testing. Allele origin: germline.
Comment: This sequence change replaces serine, which is neutral and polar, with phenylalanine, which is neutral and non-polar, at codon 961 of the NSD1 protein (p.Ser961Phe). This variant is not present in population databases (gnomAD no frequency). This variant has not been reported in the literature in individuals affected with NSD1-related conditions. Advanced modeling of protein sequence and biophysical properties (such as structural, functional, and spatial information, amino acid conservation, physicochemical variation, residue mobility, and thermodynamic stability) performed at Invitae indicates that this missense variant is not expected to disrupt NSD1 protein function with a negative predictive value of 95%. In summary, the available evidence is currently insufficient to determine the role of this variant in disease. Therefore, it has been classified as a Variant of Uncertain Significance.

Blueprint Genetics
Classification: Uncertain significance. Last evaluated: 2021-10-21. Review status: criteria provided, single submitter. Criteria: ACMG Guidelines, 2015. Collection method: clinical testing. Allele origin: germline.